The following is an entry in ClinVar:

ClinVar aggregate classification (germline): Benign (1 of 4 stars; one submission).

Allele frequency attached by ClinVar (database versions not stated): 1000 Genomes Project 0.33546; 1000 Genomes Project 30x 0.33916; TOPMed 0.37144; gnomAD 0.37679; gnomAD exomes 0.40316.
gnomAD v4.1: 636,209 of 1,588,956 alleles (40%); highest among the groups gnomAD compares: Admixed American, 42%; 129,225 homozygotes.

Submission:

Unidad de Genómica Garrahan, Hospital de Pediatría Garrahan
Classification: Benign. Last evaluated: 2023-11-12. Review status: criteria provided, single submitter. Criteria: ACMG Guidelines, 2015. Collection method: clinical testing. Allele origin: germline. Affected: no. Observed: 53 variant alleles.
Comment: This variant is classified as Benign based on local population frequency. This variant was detected in 55% of patients studied by a panel of primary immunodeficiencies. Number of patients: 53. Only high quality variants are reported.

NM_033004.4(NLRP1):c.4057+61A>T

Gene: NLRP1 (NLR family pyrin domain containing 1; minus strand). Cytogenetic location: 17p13.2.
Variant type: single nucleotide variant.
Coding change: c.4057+61A>T on transcript NM_033004.4 (MANE Select); 61 bases into the intron after coding-DNA position 4057, A replaced by T.
Molecular consequence: intron variant.
Genome position (GRCh38, 1-based): chr17:5,517,685, T>A on the plus strand (A>T on the coding strand, the complement: NLRP1 is on the minus strand). VCF-style: chr17-5517685-T-A. GRCh37 (hg19) VCF-style: chr17-5421005-T-A.
Other names: c.4069+61A>T (NM_001033053.3); c.3835+61A>T (NM_033007.4); c.3967+61A>T (NM_033006.4); c.3925+61A>T (NM_014922.5).
Identifiers: ClinVar variation 2628152 (VCV002628152.2), dbSNP rs56750129, ClinGen allele CA14369553.
Genomic context (GRCh38, chr17:5,517,685, plus strand): 5'-ATCTGCCTGCCTCGGCCTCCCAAAGTTCTGGGATTACAGGCGTGAGCCACTGTGCCCAGC[T>A]CCTTCATTGATTTTCTTTCTCCTCCCACCTCTGAGTTCTCTGGAATTGTCCTGGATTTAC-3'